The following is an entry in ClinVar:

ClinVar aggregate classification (germline): Pathogenic (1 of 4 stars; one submission).

Conditions:
CHARGE syndrome (CHARGE). Also called: Hittner Hirsch Kreh syndrome; CHARGE ASSOCIATION--COLOBOMA, HEART ANOMALY, CHOANAL ATRESIA, RETARDATION, GENITAL AND EAR ANOMALIES; Coloboma, heart anomaly, choanal atresia, retardation, genital and ear anomalies; CHARGE association; Hall-Hittner syndrome. Identifiers: Orphanet 138, MedGen C0265354, MONDO:0008965.

Submission:

King Laboratory, University of Washington
Classification: Pathogenic for CHD7-related CHARGE syndrome. Last evaluated: 2023-02-28. Review status: criteria provided, single submitter. Criteria: Li et al. (Genet Med. 2022). Collection method: research. Allele origin: unknown. Affected: yes.
Comment: This variant was found in heterozygosity in a patient with CHARGE syndrome including bilateral sensorineural hearing loss of onset <18 years, in a study of pediatric hearing loss conducted by the King Laboratory (Carlson RJ et al. JAMA-OtoHNS 2023). This variant is a frameshift that is predicted to lead to the addition of 7 incorrect amino acids and a premature stop at position 1133 of the otherwise 2997 amino acid protein. As of January 2023, this variant has not been reported to ClinVar and is not found on gnomAD. Based on the prediction that this variant leads to a truncated protein and goodness of fit of genotype to phenotype, we conclude that this variant is pathogenic.

Literature cited by the submitters: PubMed 36633841.

NC_000011.10:g.61969097_61969098insGA

Variant type: Insertion.
Genome position: GRCh38 VCF-style: chr11-61969097-G-GGA. GRCh37 (hg19) VCF-style: chr11-61736569-G-GGA.
Identifiers: ClinVar variation 2445646 (VCV002445646.2), dbSNP rs2541435492, ClinGen allele CA2580084364.